The following is an entry in ClinVar:

NM_000038.6(APC):c.7735G>A (p.Glu2579Lys)

Gene: APC (APC regulator of Wnt signaling pathway; plus strand). Cytogenetic location: 5q22.2.
Variant type: single nucleotide variant.
Coding change: c.7735G>A on transcript NM_000038.6 (MANE Select); coding-DNA position 7735, G replaced by A.
Protein change: p.Glu2579Lys; replaces glutamic acid 2579 with lysine.
Molecular consequence: missense variant.
Genome position (GRCh38, 1-based): chr5:112,843,329, G>A. VCF-style: chr5-112843329-G-A. GRCh37 (hg19) VCF-style: chr5-112179026-G-A.
Other names: c.7357G>A, p.Glu2453Lys (NM_001354904.2); c.7255G>A, p.Glu2419Lys (NM_001354905.2); c.6886G>A, p.Glu2296Lys (NM_001354906.2, NM_001407470.1); c.7819G>A, p.Glu2607Lys (NM_001407446.1); c.7789G>A, p.Glu2597Lys (NM_001407447.1, NM_001407448.1, NM_001407449.1 and 1 more transcripts); c.7735G>A, p.Glu2579Lys (NM_001407450.1, NM_001127510.3, NM_001354895.2); c.7714G>A, p.Glu2572Lys (NM_001407451.1); c.7705G>A, p.Glu2569Lys (NM_001407452.1); and 11 more; short protein forms E2450K, E2478K, E2496K, E2520K, E2538K, E2551K, E2561K, E2296K.
Identifiers: ClinVar variation 1760374 (VCV001760374.8), dbSNP rs1229661225, ClinGen allele CA16038126.

ClinVar aggregate classification (germline): Uncertain significance. Review status: criteria provided, multiple submitters, no conflicts (2 of 4 stars). 2 submissions from 2 submitters: Uncertain significance (2). Last evaluated 2025-03-19.

Conditions:
Hereditary cancer-predisposing syndrome. Also called: Neoplastic Syndromes, Hereditary; Tumor predisposition; Hereditary Cancer Syndrome; Hereditary neoplastic syndrome. Identifiers: Orphanet 140162, MedGen C0027672, MeSH D009386, MONDO:0015356.
Familial adenomatous polyposis 1 (FAP1). Also called: FAMILIAL ADENOMATOUS POLYPOSIS 1, ATTENUATED; POLYPOSIS, ADENOMATOUS INTESTINAL. Identifiers: MedGen C2713442, MONDO:0021056, OMIM 175100. Disease mechanism: loss of function.

Allele frequency attached by ClinVar (database versions not stated): gnomAD exomes below 0.00001.
gnomAD v4.1: 1 of 1,613,750 alleles (0.000062%); highest among the groups gnomAD compares: Non-Finnish European, 0.000085%; no homozygotes.

Submissions (2):

Ambry Genetics
Classification: Uncertain significance for Hereditary cancer-predisposing syndrome. Last evaluated: 2025-03-19. Review status: criteria provided, single submitter. Criteria: Ambry Variant Classification Scheme 2023. Collection method: clinical testing. Allele origin: germline.
Comment: The p.E2579K variant (also known as c.7735G>A), located in coding exon 15 of the APC gene, results from a G to A substitution at nucleotide position 7735. The glutamic acid at codon 2579 is replaced by lysine, an amino acid with similar properties. This amino acid position is highly conserved in available vertebrate species. In addition, in silico predictors for this gene do not accurately predict pathogenicity. Missense alterations in APC are not a common cause of disease (Spier I et al. Genet Med. 2024 Feb;26(2):100992). Based on the available evidence, the clinical significance of this variant remains unclear.

Labcorp Genetics (formerly Invitae), Labcorp
Classification: Uncertain significance for Familial adenomatous polyposis 1. Last evaluated: 2021-12-30. Review status: criteria provided, single submitter. Criteria: Invitae Variant Classification Sherloc (09022015). Collection method: clinical testing. Allele origin: germline.
Comment: In summary, the available evidence is currently insufficient to determine the role of this variant in disease. Therefore, it has been classified as a Variant of Uncertain Significance. Algorithms developed to predict the effect of missense changes on protein structure and function are either unavailable or do not agree on the potential impact of this missense change (SIFT: "Deleterious"; PolyPhen-2: "Probably Damaging"; Align-GVGD: "Class C0"). This variant has not been reported in the literature in individuals affected with APC-related conditions. This variant is not present in population databases (gnomAD no frequency). This sequence change replaces glutamic acid, which is acidic and polar, with lysine, which is basic and polar, at codon 2579 of the APC protein (p.Glu2579Lys).